The following is an entry in ClinVar:

ClinVar aggregate classification (germline): Uncertain significance. Review status: criteria provided, multiple submitters, no conflicts (2 of 4 stars). 3 submissions from 3 submitters: Uncertain significance (2). 1 of the submissions does not count toward it. Last evaluated 2025-05-23.

Conditions:
NEK1-related disorder. Also called: NEK1-related condition.
Inborn genetic diseases. Identifiers: MedGen C0950123, MeSH D030342.
Short-rib thoracic dysplasia 6 with or without polydactyly (SRTD6). Also called: Majewski Syndrome; POLYDACTYLY WITH NEONATAL CHONDRODYSTROPHY, TYPE II; SHORT-RIB THORACIC DYSPLASIA 6 WITH POLYDACTYLY; SHORT-RIB THORACIC DYSPLASIA 6 WITHOUT POLYDACTYLY; SHORT RIB-POLYDACTYLY SYNDROME, TYPE IIA. Identifiers: MedGen C0024507, MONDO:0009894, OMIM 263520.

Allele frequency attached by ClinVar (database versions not stated): ESP Exome Variant Server 0.00008.
gnomAD v4.1: 19 of 1,607,522 alleles (0.0012%); highest among the groups gnomAD compares: African/African-American, 0.023%; no homozygotes.

Submissions (3):

Labcorp Genetics (formerly Invitae), Labcorp
Classification: Uncertain significance for Short-rib thoracic dysplasia 6 with or without polydactyly. Last evaluated: 2025-05-23. Review status: criteria provided, single submitter. Criteria: Invitae Variant Classification Sherloc (09022015). Collection method: clinical testing. Allele origin: germline.
Comment: This sequence change replaces isoleucine, which is neutral and non-polar, with threonine, which is neutral and polar, at codon 1082 of the NEK1 protein (p.Ile1082Thr). This variant is present in population databases (rs369614506, gnomAD 0.05%). This variant has not been reported in the literature in individuals affected with NEK1-related conditions. ClinVar contains an entry for this variant (Variation ID: 2300172). Invitae Evidence Modeling of protein sequence and biophysical properties (such as structural, functional, and spatial information, amino acid conservation, physicochemical variation, residue mobility, and thermodynamic stability) indicates that this missense variant is not expected to disrupt NEK1 protein function with a negative predictive value of 80%. In summary, the available evidence is currently insufficient to determine the role of this variant in disease. Therefore, it has been classified as a Variant of Uncertain Significance.

Ambry Genetics
Classification: Uncertain significance for Inborn genetic diseases. Last evaluated: 2022-07-08. Review status: criteria provided, single submitter. Criteria: Ambry Variant Classification Scheme 2023. Collection method: clinical testing. Allele origin: germline.

PreventionGenetics, part of Exact Sciences
Classification: Uncertain significance for NEK1-related condition. Last evaluated: 2024-03-06. Review status: no assertion criteria provided. Collection method: clinical testing. Allele origin: germline. Not counted in ClinVar's aggregate classification.
Comment: The NEK1 c.3245T>C variant is predicted to result in the amino acid substitution p.Ile1082Thr. To our knowledge, this variant has not been reported in the literature. This variant is reported in 0.053% of alleles in individuals of African descent in gnomAD. At this time, the clinical significance of this variant is uncertain due to the absence of conclusive functional and genetic evidence.

NM_001199397.3(NEK1):c.3329T>C (p.Ile1110Thr)

Gene: NEK1 (NIMA related kinase 1; minus strand). Cytogenetic location: 4q33.
Variant type: single nucleotide variant.
Coding change: c.3329T>C on transcript NM_001199397.3 (MANE Select); coding-DNA position 3329, T replaced by C.
Protein change: p.Ile1110Thr; replaces isoleucine 1110 with threonine.
Molecular consequence: missense variant. On other transcripts: non-coding transcript variant (1).
Genome position (GRCh38, 1-based): chr4:169,406,641, A>G on the plus strand (T>C on the coding strand, the complement: NEK1 is on the minus strand). VCF-style: chr4-169406641-A-G. GRCh37 (hg19) VCF-style: chr4-170327792-A-G.
Other names: c.3197T>C, p.Ile1066Thr (NM_001199398.3); c.3038T>C, p.Ile1013Thr (NM_001199399.3); c.3113T>C, p.Ile1038Thr (NM_001199400.3); c.3329T>C, p.Ile1110Thr (NM_001374418.1); c.3245T>C, p.Ile1082Thr (NM_001374419.1, NM_012224.4); c.3194T>C, p.Ile1065Thr (NM_001374420.1); c.2846T>C, p.Ile949Thr (NM_001374421.1); short protein forms I1013T, I1065T, I1082T, I949T, I1038T, I1066T, I1110T.
Identifiers: ClinVar variation 2300172 (VCV002300172.4), dbSNP rs369614506, ClinGen allele CA3137175.